The following continues an entry in ClinVar:

NM_000059.4(BRCA2):c.6373dup (p.Thr2125fs)

Gene: BRCA2. ClinVar aggregate classification (germline): Pathogenic. Pathogenic (1).

Submissions 11 to 20 of 20:

Women's Health and Genetics/Laboratory Corporation of America, LabCorp
Classification: Pathogenic for Hereditary breast ovarian cancer syndrome. Last evaluated: 2023-04-17. Review status: criteria provided, single submitter. Criteria: LabCorp Variant Classification Summary - May 2015. Collection method: clinical testing. Allele origin: germline. Not counted in ClinVar's aggregate classification.
Comment: Variant summary: BRCA2 c.6373dupA (p.Thr2125AsnfsX4) results in a premature termination codon, predicted to cause a truncation of the encoded protein or absence of the protein due to nonsense mediated decay, which are commonly known mechanisms for disease. Truncations downstream of this position have been classified as pathogenic by our laboratory. The variant was absent in 239632 control chromosomes. c.6373dupA has been reported in the literature in multiple individuals affected with Hereditary Breast And Ovarian Cancer Syndrome or pancreatic cancer (Rebbeck_2018, Susswein_2016, Heramb_2018, Lang_2017). These data indicate that the variant is very likely to be associated with disease. Seven submitters, including an expert panel (ENIGMA), have provided clinical-significance assessments for this variant to ClinVar after 2014, and classified the variant as pathogenic. Based on the evidence outlined above, the variant was classified as pathogenic.

Blueprint Genetics
Classification: Pathogenic for BRCA2-related disorders. Last evaluated: 2022-03-16. Review status: criteria provided, single submitter. Criteria: ACMG Guidelines, 2015. Collection method: clinical testing. Allele origin: germline. Affected: yes. Observed: 3 variant alleles. Not counted in ClinVar's aggregate classification.

Quest Diagnostics Nichols Institute San Juan Capistrano
Classification: Pathogenic. Last evaluated: 2017-07-25. Review status: criteria provided, single submitter. Criteria: Quest Diagnostics criteria. Collection method: clinical testing. Allele origin: germline. Not counted in ClinVar's aggregate classification.

Consortium of Investigators of Modifiers of BRCA1/2 (CIMBA), c/o University of Cambridge
Classification: Pathogenic for Breast-ovarian cancer, familial, susceptibility to, 2. Last evaluated: 2015-10-02. Review status: criteria provided, single submitter. Criteria: CIMBA Mutation Classification guidelines May 2016. Collection method: clinical testing. Allele origin: germline. Not counted in ClinVar's aggregate classification.

Department of Medical Genetics, Oslo University Hospital
Classification: Pathogenic for Breast-ovarian cancer, familial, susceptibility to, 2. Last evaluated: 2015-07-01. Review status: criteria provided, single submitter. Criteria: ACMG Guidelines, 2015. Collection method: clinical testing. Allele origin: germline. Affected: yes. Observed: 5 variant alleles. Not counted in ClinVar's aggregate classification.

Institute of Human Genetics, University Hospital of Duesseldorf
Classification: Pathogenic for Breast-ovarian cancer, familial, susceptibility to, 2. Review status: criteria provided, single submitter. Criteria: ACMG Guidelines, 2015. Collection method: not provided. Allele origin: germline. Inheritance: Autosomal dominant inheritance. Affected: yes. Not counted in ClinVar's aggregate classification.

Juno Genomics, Hangzhou Juno Genomics, Inc
Classification: Pathogenic for Familial cancer of breast; Breast-ovarian cancer, familial, susceptibility to, 2; Glioma susceptibility 3; Medulloblastoma; Pancreatic cancer, susceptibility to, 2; Familial prostate cancer; Fanconi anemia complementation group D1; Wilms tumor 1. Review status: criteria provided, single submitter. Criteria: ACMG Guidelines, 2015. Collection method: clinical testing. Allele origin: germline. Not counted in ClinVar's aggregate classification.
Comment: Null variant in a gene where loss of function (LOF) is a known mechanism of disease.;Absent from controls (or at extremely low frequency if recessive) in Genome Aggregation Database.;The prevalence of the variant in affected individuals is significantly increased compared to the prevalence in controls.

Research Molecular Genetics Laboratory, Women's College Hospital, University of Toronto
Classification: Pathogenic for Hereditary breast ovarian cancer syndrome. Last evaluated: 2014-01-31. Review status: no assertion criteria provided. Collection method: research. Allele origin: germline. Affected: yes. Study: The Canadian Open Genetics Repository (COGR). Not counted in ClinVar's aggregate classification.

Sharing Clinical Reports Project (SCRP)
Classification: Pathogenic for Breast-ovarian cancer, familial 2. Last evaluated: 2012-03-07. Review status: no assertion criteria provided. Collection method: clinical testing. Allele origin: germline. Not counted in ClinVar's aggregate classification.

Breast Cancer Information Core (BIC) (BRCA2)
Classification: Pathogenic for Breast-ovarian cancer, familial 2. Last evaluated: 2002-05-29. Review status: no assertion criteria provided. Collection method: clinical testing. Allele origin: germline. Affected: yes. Observed: 3 variant alleles. Not counted in ClinVar's aggregate classification.

Literature cited by the submitters: PubMed 20104584 (cited by Labcorp Genetics (formerly Invitae), Labcorp); PubMed 11179017 (cited by 4 submitters); PubMed 11802209 (cited by 3 submitters); PubMed 26483394 (cited by 3 submitters); PubMed 26681312 (cited by 6 submitters); PubMed 33471991 (cited by Department of Pathology and Laboratory Medicine, Sinai Health System and Color Diagnostics, LLC DBA Color Health); PubMed 30702160 (cited by Department of Pathology and Laboratory Medicine, Sinai Health System and Laboratory for Molecular Medicine, Mass General Brigham Personalized Medicine); PubMed 29922827 (cited by Department of Pathology and Laboratory Medicine, Sinai Health System and Laboratory for Molecular Medicine, Mass General Brigham Personalized Medicine); PubMed 29339979 (cited by 3 submitters); PubMed 28294317 (cited by Department of Pathology and Laboratory Medicine, Sinai Health System and Women's Health and Genetics/Laboratory Corporation of America, LabCorp); PubMed 36785489 (cited by Color Diagnostics, LLC DBA Color Health); PubMed 29446198 (cited by Women's Health and Genetics/Laboratory Corporation of America, LabCorp).